The following is an entry in ClinVar:

ClinVar aggregate classification (germline): Conflicting classifications of pathogenicity. Review status: criteria provided, conflicting classifications (1 of 4 stars). 2 submissions from 2 submitters: Likely pathogenic (1); Uncertain significance (1). Last evaluated 2023-05-29.

Conditions:
Walker-Warburg congenital muscular dystrophy. Also called: Muscular dystrophy-dystroglycanopathy, type A; Walker-Warburg syndrome. Identifiers: Orphanet 899, MedGen C0265221, MONDO:0000171.
Autosomal recessive limb-girdle muscular dystrophy type 2I. Also called: MUSCULAR DYSTROPHY-DYSTROGLYCANOPATHY (LIMB-GIRDLE), TYPE C, 5; MUSCULAR DYSTROPHY, LIMB-GIRDLE, TYPE 2I; MUSCULAR DYSTROPHY-DYSTROGLYCANOPATHY, LIMB-GIRDLE, FRKP-RELATED. Identifiers: Orphanet 34515, MedGen C1846672, MONDO:0011787, OMIM 607155.

Allele frequency attached by ClinVar (database versions not stated): gnomAD 0.00001.
gnomAD v4.1: 1 of 1,583,468 alleles (0.000063%); highest among the groups gnomAD compares: South Asian, 0.0011%; no homozygotes.

Submissions (2):

Kariminejad - Najmabadi Pathology & Genetics Center
Classification: Likely pathogenic for Autosomal recessive limb-girdle muscular dystrophy type 2I. Last evaluated: 2023-05-29. Review status: criteria provided, single submitter. Criteria: ACMG Guidelines, 2015. Collection method: clinical testing. Allele origin: germline. Inheritance: Autosomal recessive inheritance. Affected: yes.
Comment: PM1,PM5,PP3,PP2

Labcorp Genetics (formerly Invitae), Labcorp
Classification: Uncertain significance for Walker-Warburg congenital muscular dystrophy. Last evaluated: 2022-10-18. Review status: criteria provided, single submitter. Criteria: Invitae Variant Classification Sherloc (09022015). Collection method: clinical testing. Allele origin: germline.
Comment: In summary, the available evidence is currently insufficient to determine the role of this variant in disease. Therefore, it has been classified as a Variant of Uncertain Significance. Advanced modeling of protein sequence and biophysical properties (such as structural, functional, and spatial information, amino acid conservation, physicochemical variation, residue mobility, and thermodynamic stability) performed at Invitae indicates that this missense variant is expected to disrupt FKRP protein function. This variant has not been reported in the literature in individuals affected with FKRP-related conditions. This variant is not present in population databases (gnomAD no frequency). This sequence change replaces arginine, which is basic and polar, with glycine, which is neutral and non-polar, at codon 339 of the FKRP protein (p.Arg339Gly).

NM_024301.5(FKRP):c.1015C>G (p.Arg339Gly)

Gene: FKRP (fukutin related protein; plus strand). Cytogenetic location: 19q13.32.
Variant type: single nucleotide variant.
Coding change: c.1015C>G on transcript NM_024301.5 (MANE Select); coding-DNA position 1015, C replaced by G.
Protein change: p.Arg339Gly; replaces arginine 339 with glycine.
Molecular consequence: missense variant.
Genome position (GRCh38, 1-based): chr19:46,756,465, C>G. VCF-style: chr19-46756465-C-G. GRCh37 (hg19) VCF-style: chr19-47259722-C-G.
Other names: c.1015C>G, p.Arg339Gly (NM_001039885.3); short protein forms R339G.
Identifiers: ClinVar variation 1721356 (VCV001721356.6), dbSNP rs2122629515, ClinGen allele CA406496471.